The following is an entry in ClinVar:

NM_001844.5(COL2A1):c.1576C>T (p.Pro526Ser)

Gene: COL2A1 (collagen type II alpha 1 chain; minus strand). Cytogenetic location: 12q13.11.
Variant type: single nucleotide variant.
Coding change: c.1576C>T on transcript NM_001844.5 (MANE Select); coding-DNA position 1576, C replaced by T.
Protein change: p.Pro526Ser; replaces proline 526 with serine.
Molecular consequence: missense variant.
Genome position (GRCh38, 1-based): chr12:47,985,917, G>A on the plus strand (C>T on the coding strand, the complement: COL2A1 is on the minus strand). VCF-style: chr12-47985917-G-A. GRCh37 (hg19) VCF-style: chr12-48379700-G-A.
Other names: c.1369C>T, p.Pro457Ser (NM_033150.3); short protein forms P526S, P457S.
Identifiers: ClinVar variation 3687673 (VCV003687673.2).

ClinVar aggregate classification (germline): Uncertain significance (1 of 4 stars; one submission).

Submission:

Labcorp Genetics (formerly Invitae), Labcorp
Classification: Uncertain significance. Last evaluated: 2024-05-02. Review status: criteria provided, single submitter. Criteria: Invitae Variant Classification Sherloc (09022015). Collection method: clinical testing. Allele origin: germline.
Comment: This sequence change replaces proline, which is neutral and non-polar, with serine, which is neutral and polar, at codon 526 of the COL2A1 protein (p.Pro526Ser). This variant is not present in population databases (gnomAD no frequency). This variant has not been reported in the literature in individuals affected with COL2A1-related conditions. Advanced modeling of protein sequence and biophysical properties (such as structural, functional, and spatial information, amino acid conservation, physicochemical variation, residue mobility, and thermodynamic stability) performed at Invitae indicates that this missense variant is not expected to disrupt COL2A1 protein function with a negative predictive value of 80%. In summary, the available evidence is currently insufficient to determine the role of this variant in disease. Therefore, it has been classified as a Variant of Uncertain Significance.